The following is an entry in ClinVar:

ClinVar aggregate classification (germline): Likely pathogenic (1 of 4 stars; one submission).

Conditions:
Gingival fibromatosis-hypertrichosis syndrome. Also called: HYPERTRICHOSIS, CONGENITAL GENERALIZED, 3, WITH OR WITHOUT GINGIVAL HYPERPLASIA. Identifiers: Orphanet 2026, MedGen C1851120, MONDO:0007610, OMIM 135400.

Submission:

First Genomix Gene Laboratory, Genetic Diagnostics Department
Classification: Likely pathogenic for Gingival fibromatosis-hypertrichosis syndrome. Last evaluated: 2025-08-26. Review status: criteria provided, single submitter. Criteria: ACMG Guidelines, 2015. Collection method: clinical testing. Allele origin: germline. Inheritance: Autosomal recessive inheritance. Affected: no. Observed: 1 variant allele.

NM_172232.4(ABCA5):c.3163_3167del (p.Leu1055fs)

Gene: ABCA5 (ATP binding cassette subfamily A member 5; minus strand). Cytogenetic location: 17q24.3.
Variant type: Deletion.
Coding change: c.3163_3167del on transcript NM_172232.4 (MANE Select); coding-DNA positions 3163 to 3167, 5 bases deleted (CTTAA; older notation c.3163_3167delCTTAA).
Protein change: p.Leu1055fs; shifts the reading frame from leucine 1055.
Molecular consequence: frameshift variant.
Genome position (GRCh38, 1-based): chr17:69,264,883-69,264,887, TTAAG deleted on the plus strand (CTTAA on the coding strand, the reverse complement: ABCA5 is on the minus strand); deleting any 5 consecutive bases within chr17:69,264,883-69,264,889 gives the same sequence; the c. name uses the placement nearest the transcript's 3' end. VCF-style (leftmost placement, unchanged base first): chr17-69264882-TTTAAG-T. GRCh37 (hg19) VCF-style: chr17-67261023-TTTAAG-T.
Other names: c.3163_3167del, p.Leu1055fs (NM_018672.5); c.3163_3167delCTTAA (NM_018672.5); short protein forms L1055fs.
Identifiers: ClinVar variation 4850485 (VCV004850485.1).
Genomic context (GRCh38, chr17:69,264,882, plus strand): 5'-TAAGGGGATATCAACAACAGCTTGTCCAATCCAATATGCAGATGGCAAAAGACCTGAAAG[TTTAAG>T]TTGAGTATAAGCTTTGATCTAAAAAAAATGAAAAACAATTTATTATAATTTTAGACACTT-3'